The following is an entry in ClinVar:

ClinVar aggregate classification (germline): Uncertain significance (1 of 4 stars; one submission).

Submission:

GeneDx
Classification: Uncertain significance. Last evaluated: 2023-02-02. Review status: criteria provided, single submitter. Criteria: GeneDx Variant Classification Process June 2021. Collection method: clinical testing. Allele origin: germline. Affected: yes.
Comment: Not observed at significant frequency in large population cohorts (gnomAD); In silico analysis supports that this missense variant has a deleterious effect on protein structure/function; Has not been previously published as pathogenic or benign to our knowledge

NM_005639.3(SYT1):c.290G>C (p.Gly97Ala)

Gene: SYT1 (synaptotagmin 1; plus strand). Cytogenetic location: 12q21.2.
Variant type: single nucleotide variant.
Coding change: c.290G>C on transcript NM_005639.3 (MANE Select); coding-DNA position 290, G replaced by C.
Protein change: p.Gly97Ala; replaces glycine 97 with alanine.
Molecular consequence: missense variant.
Genome position (GRCh38, 1-based): chr12:79,285,910, G>C. VCF-style: chr12-79285910-G-C. GRCh37 (hg19) VCF-style: chr12-79679690-G-C.
Other names: c.290G>C, p.Gly97Ala (NM_001135805.2, NM_001135806.2, NM_001291901.2 and 6 more transcripts); short protein forms G97A.
Identifiers: ClinVar variation 2575023 (VCV002575023.1), dbSNP rs2547649168, ClinGen allele CA385929056.